The following is an entry in ClinVar:

NM_000535.7(PMS2):c.1620T>C (p.Pro540=)

Gene: PMS2 (PMS1 homolog 2, mismatch repair system component; minus strand). Cytogenetic location: 7p22.1.
Variant type: single nucleotide variant.
Coding change: c.1620T>C on transcript NM_000535.7 (MANE Select); coding-DNA position 1620, T replaced by C.
Protein change: p.Pro540=; no amino-acid change (proline 540 retained).
Molecular consequence: synonymous variant. On other transcripts: non-coding transcript variant (1), intron variant (1).
Genome position (GRCh38, 1-based): chr7:5,987,145, A>G on the plus strand (T>C on the coding strand, the complement: PMS2 is on the minus strand). VCF-style: chr7-5987145-A-G. GRCh37 (hg19) VCF-style: chr7-6026776-A-G.
Other names: c.1215T>C, p.Pro405= (NM_001322003.2, NM_001322004.2, NM_001322005.2 and 16 more transcripts); c.1464T>C, p.Pro488= (NM_001322006.2, NM_001406870.1); c.1302T>C, p.Pro434= (NM_001322007.2, NM_001322008.2, NM_001406876.1 and 2 more transcripts); c.1059T>C, p.Pro353= (NM_001322010.2, NM_001406906.1, NM_001406907.1); c.687T>C, p.Pro229= (NM_001322011.2, NM_001322012.2); c.1047T>C, p.Pro349= (NM_001322013.2, NM_001406909.1); c.1620T>C, p.Pro540= (NM_001322014.2, NM_001406871.1, NM_001406872.1); c.1311T>C, p.Pro437= (NM_001322015.2, NM_001406875.1, NM_001406877.1 and 5 more transcripts); and 13 more.
Identifiers: ClinVar variation 3903568 (VCV003903568.1).
Genomic context (GRCh38, chr7:5,987,145, plus strand): 5'-ACATCCGGTATCTTCCTGGTTTGAATGGCAGTCCACATCTGAAAAAGAGTCGTCAGTTTT[A>G]GGCGCTTTCTCCTGAGAGTCCACATGTTCCTGCGAGCCCCTGTCCCCTGGGGAGCTGGCC-3'
Protein context (NP_000526.2, residues 530-550): QEHVDSQEKA[Pro540=]KTDDSFSDVD

ClinVar aggregate classification (germline): Benign (1 of 4 stars; one submission).

Conditions:
Lynch syndrome 4 (LYNCH4). Also called: Colorectal cancer, hereditary nonpolyposis, type 4; Hereditary non-polyposis colorectal cancer, type 4. Identifiers: Orphanet 144, MedGen C1838333, MONDO:0013699, OMIM 614337. Disease mechanism: loss of function.

Submission:

Myriad Genetics, Inc.
Classification: Benign for Lynch syndrome 4. Last evaluated: 2025-01-31. Review status: criteria provided, single submitter. Criteria: Myriad Autosomal Dominant, Autosomal Recessive and X-Linked Classification Criteria (2023). Collection method: clinical testing. Allele origin: unknown.
Comment: This variant is considered benign. This variant is a silent/synonymous amino acid change and it is not expected to impact splicing.